The following is an entry in ClinVar:

NM_032043.3(BRIP1):c.2905+3A>T

Gene: BRIP1 (BRCA1 interacting DNA helicase 1; minus strand). Cytogenetic location: 17q23.2.
Variant type: single nucleotide variant.
Coding change: c.2905+3A>T on transcript NM_032043.3 (MANE Select); 3 bases into the intron after coding-DNA position 2905, A replaced by T.
Molecular consequence: intron variant.
Genome position (GRCh38, 1-based): chr17:61,685,833, T>A on the plus strand (A>T on the coding strand, the complement: BRIP1 is on the minus strand). VCF-style: chr17-61685833-T-A. GRCh37 (hg19) VCF-style: chr17-59763194-T-A.
Identifiers: ClinVar variation 1797494 (VCV001797494.6), dbSNP rs1555573247, ClinGen allele CA400481076.

ClinVar aggregate classification (germline): Conflicting classifications of pathogenicity. Review status: criteria provided, conflicting classifications (1 of 4 stars). 2 submissions from 2 submitters: Likely pathogenic (1); Uncertain significance (1). Last evaluated 2023-06-04.

Conditions:
Familial cancer of breast. Also called: BREAST CANCER, FAMILIAL; hereditary breast carcinoma; Hereditary breast cancer. Identifiers: Orphanet 227535, MedGen C0346153, MONDO:0016419, OMIM 114480. Disease mechanism: loss of function.
Fanconi anemia complementation group J. Also called: BRIP1-Related Fanconi Anemia. Identifiers: Orphanet 84, MedGen C1836860, MONDO:0012187, OMIM 609054.
Hereditary cancer-predisposing syndrome. Also called: Neoplastic Syndromes, Hereditary; Tumor predisposition; Hereditary neoplastic syndrome; Hereditary Cancer Syndrome. Identifiers: Orphanet 140162, MedGen C0027672, MeSH D009386, MONDO:0015356.

Submissions (2):

Ambry Genetics
Classification: Likely pathogenic for Hereditary cancer-predisposing syndrome. Last evaluated: 2023-06-04. Review status: criteria provided, single submitter. Criteria: Ambry Variant Classification Scheme 2023. Collection method: clinical testing. Allele origin: germline.
Comment: The c.2905+3A>T intronic variant results from an A to T substitution 3 nucleotides after coding exon 18 in the BRIP1 gene. This variant is considered to be rare based on population cohorts in the Genome Aggregation Database (gnomAD). This nucleotide position is highly conserved in available vertebrate species. In silico splice site analysis predicts that this alteration will weaken the native splice donor site. RNA studies have demonstrated that this alteration results in abnormal splicing in the set of samples tested (Ambry internal data). Based on the majority of available evidence to date, this variant is likely to be pathogenic.

Labcorp Genetics (formerly Invitae), Labcorp
Classification: Uncertain significance for Familial cancer of breast; Fanconi anemia complementation group J. Last evaluated: 2023-02-18. Review status: criteria provided, single submitter. Criteria: Invitae Variant Classification Sherloc (09022015). Collection method: clinical testing. Allele origin: germline.
Comment: This sequence change falls in intron 19 of the BRIP1 gene. It does not directly change the encoded amino acid sequence of the BRIP1 protein. It affects a nucleotide within the consensus splice site. This variant is not present in population databases (gnomAD no frequency). This variant has not been reported in the literature in individuals affected with BRIP1-related conditions. ClinVar contains an entry for this variant (Variation ID: 1797494). Variants that disrupt the consensus splice site are a relatively common cause of aberrant splicing (PMID: 17576681, 9536098). Algorithms developed to predict the effect of sequence changes on RNA splicing suggest that this variant may disrupt the consensus splice site. In summary, the available evidence is currently insufficient to determine the role of this variant in disease. Therefore, it has been classified as a Variant of Uncertain Significance.

Literature cited by the submitters: PubMed 17576681 (cited by Labcorp Genetics (formerly Invitae), Labcorp); PubMed 9536098 (cited by Labcorp Genetics (formerly Invitae), Labcorp).